The following is an entry in ClinVar:

NM_000404.4(GLB1):c.914+2T>G

Gene: GLB1 (galactosidase beta 1; minus strand). Cytogenetic location: 3p22.3.
Variant type: single nucleotide variant.
Coding change: c.914+2T>G on transcript NM_000404.4 (MANE Select); the canonical splice donor site of the intron after coding-DNA position 914, T replaced by G.
Molecular consequence: splice donor variant.
Genome position (GRCh38, 1-based): chr3:33,051,881, A>C on the plus strand (T>G on the coding strand, the complement: GLB1 is on the minus strand). VCF-style: chr3-33051881-A-C. GRCh37 (hg19) VCF-style: chr3-33093373-A-C.
Other names: c.914+2T>G (NM_001393580.1); c.521+2T>G (NM_001135602.3); c.1058+2T>G (NM_001317040.2); c.824+2T>G (NM_001079811.3).
Identifiers: ClinVar variation 5006610 (VCV005006610.2).
Genomic context (GRCh38, chr3:33,051,881, plus strand): 5'-GGTACTTCACTGTGAGCCCATGGCTACTGAGGGCACCCTCCCCTCAGGCAATGAACACTC[A>C]CAAGTTCACACTCGCCCCACGGGCAAGTATATCATAGAGGGAGGAAGCCACTGCTTCGGT-3'

ClinVar aggregate classification (germline): Likely pathogenic (1 of 4 stars; one submission).

Conditions:
Infantile GM1 gangliosidosis. Also called: Gangliosidosis, Generalized GM1, Type 1; GM1 gangliosidosis type 1; GM1-gangliosidosis, type I; Gangliosidosis, generalized GM1, infantile form; GLB1 deficiency. Identifiers: Orphanet 354, Orphanet 79255, MedGen C0268271, MONDO:0009260, OMIM 230500.
Mucopolysaccharidosis, MPS-IV-B (MPS4B). Also called: MORQUIO SYNDROME B; Mucopolysaccharidosis type IVB (Morquio); MPS IVB; Mucopolysaccharidosis type 4B; Mucopolysaccharidosis type IV B; Mucopolysaccharidosis Type IVB (Morquio B Disease). Identifiers: Orphanet 309310, Orphanet 582, MedGen C0086652, MONDO:0009660, OMIM 253010.
GM1 gangliosidosis type 3. Also called: GM1-GANGLIOSIDOSIS, TYPE III; Gangliosidosis, Generalized GM1, Type 3; GANGLIOSIDOSIS, GENERALIZED GM1, ADULT TYPE; GANGLIOSIDOSIS, GENERALIZED GM1, CHRONIC TYPE; GANGLIOSIDOSIS, GENERALIZED GM1, TYPE III; Beta-galactosidase deficiency. Identifiers: Orphanet 79257, MedGen C0268273, MONDO:0009262, OMIM 230650.
GM1 gangliosidosis type 2. Also called: GM1-GANGLIOSIDOSIS, TYPE II; Gangliosidosis, Generalized GM1, Type 2; GANGLIOSIDOSIS, GENERALIZED GM1, JUVENILE TYPE; GANGLIOSIDOSIS, GENERALIZED GM1, TYPE II; Juvenile GM>1< gangliosidosis. Identifiers: Orphanet 354, Orphanet 79256, MedGen C0268272, MONDO:0009261, OMIM 230600.

gnomAD v4.1: 1 of 1,614,250 alleles (0.000062%); highest among the groups gnomAD compares: Non-Finnish European, 0.000085%; no homozygotes.

Submission:

Juno Genomics, Hangzhou Juno Genomics, Inc
Classification: Likely pathogenic for Infantile GM1 gangliosidosis; GM1 gangliosidosis type 2; GM1 gangliosidosis type 3; Mucopolysaccharidosis, MPS-IV-B. Review status: criteria provided, single submitter. Criteria: ACMG Guidelines, 2015. Collection method: clinical testing. Allele origin: germline.
Comment: Null variant in a gene where loss of function (LOF) is a known mechanism of disease.;Absent from controls (or at extremely low frequency if recessive) in Genome Aggregation Database.